The following is an entry in ClinVar:

NM_001267550.2(TTN):c.76507del (p.Glu25503fs)

Genes: TTN-AS1 (TTN antisense RNA 1; plus strand), TTN (titin; minus strand). Cytogenetic location: 2q31.2.
Variant type: Deletion.
Coding change: c.76507del on transcript NM_001267550.2 (MANE Select); coding-DNA position 76507, one base deleted (G; older notation c.76507delG).
Protein change: p.Glu25503fs; shifts the reading frame from glutamic acid 25503.
Molecular consequence: frameshift variant.
Genome position (GRCh38, 1-based): chr2:178,569,625, C deleted on the plus strand (G on the coding strand, the reverse complement: TTN is on the minus strand). VCF-style (leftmost placement, unchanged base first): chr2-178569624-TC-T. GRCh37 (hg19) VCF-style: chr2-179434351-TC-T.
Other names: c.49312delG (NM_003319.4); c.71584del, p.Glu23862fs (NM_001256850.1); c.49312del, p.Glu16438fs (NM_003319.4); c.68803del, p.Glu22935fs (NM_133378.4); c.49687del, p.Glu16563fs (NM_133432.3); c.49888del, p.Glu16630fs (NM_133437.4); short protein forms E16438fs, E16563fs, E16630fs, E22935fs, E23862fs, E25503fs.
Identifiers: ClinVar variation 1065955 (VCV001065955.10), dbSNP rs2154167928, ClinGen allele CA2499215358.

ClinVar aggregate classification (germline): Likely pathogenic. Review status: criteria provided, multiple submitters, no conflicts (2 of 4 stars). 2 submissions from 2 submitters: Likely pathogenic (2). Last evaluated 2025-12-08.

Conditions:
Cardiovascular phenotype. Identifiers: MedGen CN230736.
Dilated cardiomyopathy 1G (CMD1G). Identifiers: Orphanet 154, MedGen C1858763, MONDO:0011400, OMIM 604145.
Autosomal recessive limb-girdle muscular dystrophy type 2J (LGMDR10). Also called: Limb-girdle muscular dystrophy, type 2J; MUSCULAR DYSTROPHY, LIMB-GIRDLE, AUTOSOMAL RECESSIVE 10. Identifiers: Orphanet 140922, MedGen C1837342, MONDO:0012127, OMIM 608807.

Submissions (2):

Labcorp Genetics (formerly Invitae), Labcorp
Classification: Likely pathogenic for Dilated cardiomyopathy 1G; Autosomal recessive limb-girdle muscular dystrophy type 2J. Last evaluated: 2025-12-08. Review status: criteria provided, single submitter. Criteria: Invitae Variant Classification Sherloc (09022015). Collection method: clinical testing. Allele origin: germline.
Comment: This sequence change creates a premature translational stop signal (p.Glu25503Lysfs*3) in the TTN gene. While this is not anticipated to result in nonsense mediated decay, it is expected to create a truncated TTN protein. This variant is not present in population databases (gnomAD no frequency). This premature translational stop signal has been observed in individual(s) with clinical features of TTN-related conditions (PMID: 32815318). ClinVar contains an entry for this variant (Variation ID: 1065955). This variant is located in the A band of TTN (PMID: 25589632). Truncating variants in this region are significantly overrepresented in patients affected with dilated cardiomyopathy (PMID: 25589632). Truncating variants in this region have also been reported in individuals affected with autosomal recessive centronuclear myopathy (PMID: 23975875). In summary, the currently available evidence indicates that the variant is pathogenic, but additional data are needed to prove that conclusively. Therefore, this variant has been classified as Likely Pathogenic.

Ambry Genetics
Classification: Likely pathogenic for Cardiovascular phenotype. Last evaluated: 2024-12-09. Review status: criteria provided, single submitter. Criteria: Ambry Variant Classification Scheme 2023. Collection method: clinical testing. Allele origin: germline.
Comment: The c.49312delG variant, located in coding exon 153 of the TTN gene, results from a deletion of one nucleotide at nucleotide position 49312, causing a translational frameshift with a predicted alternate stop codon (p.E16438Kfs*3). This exon is located in the A-band region of the N2-B isoform of the titin protein and is constitutively expressed in TTN transcripts (percent spliced in or PSI 100%). This variant, noted as c.76507delG, p.(E25503Kfs*3), has been reported in a subject with dilated cardiomyopathy (DCM) (Rich KA et al. Mol Genet Genomic Med, 2020 Oct;8:e1460). This alteration is expected to result in loss of function by premature protein truncation or nonsense-mediated mRNA decay. While truncating variants in TTN are present in 1-3% of the general population, truncating variants in the A-band are the most common cause of dilated cardiomyopathy (DCM) (Herman DS et al. N. Engl. J. Med., 2012 Feb;366:619-28; Roberts AM et al. Sci Transl Med, 2015 Jan;7:270ra6). TTN truncating variants encoded in constitutive exons (PSI >90%) have been found to be significantly associated with DCM regardless of their position in titin (Schafer S et al. Nat. Genet., 2017 01;49:46-53). This variant is considered to be rare based on population cohorts in the Genome Aggregation Database (gnomAD). As such, this alteration is classified as likely pathogenic.

Literature cited by the submitters: PubMed 32815318 (cited by Labcorp Genetics (formerly Invitae), Labcorp and Ambry Genetics); PubMed 25589632 (cited by Labcorp Genetics (formerly Invitae), Labcorp); PubMed 23975875 (cited by Labcorp Genetics (formerly Invitae), Labcorp).